The following is an entry in ClinVar:

NM_017617.5(NOTCH1):c.2896A>G (p.Ser966Gly)

Gene: NOTCH1 (notch receptor 1; minus strand). Cytogenetic location: 9q34.3.
Variant type: single nucleotide variant.
Coding change: c.2896A>G on transcript NM_017617.5 (MANE Select); coding-DNA position 2896, A replaced by G.
Protein change: p.Ser966Gly; replaces serine 966 with glycine.
Molecular consequence: missense variant.
Genome position (GRCh38, 1-based): chr9:136,509,806, T>C on the plus strand (A>G on the coding strand, the complement: NOTCH1 is on the minus strand). VCF-style: chr9-136509806-T-C. GRCh37 (hg19) VCF-style: chr9-139404258-T-C.
Other names: c.2896A>G (NM_017617.3); short protein forms S966G.
Identifiers: ClinVar variation 2202120 (VCV002202120.6), dbSNP rs745928497, ClinGen allele CA5341118.

ClinVar aggregate classification (germline): Conflicting classifications of pathogenicity. Review status: criteria provided, conflicting classifications (1 of 4 stars). 3 submissions from 3 submitters: Uncertain significance (2); Likely benign (1). Last evaluated 2025-03-04.

Conditions:
Familial thoracic aortic aneurysm and aortic dissection (TAAD). Also called: Thoracic aortic aneurysms and dissections. Identifiers: Orphanet 91387, MedGen C4707243, MONDO:0019625.
Adams-Oliver syndrome 5 (AOS5). Identifiers: Orphanet 974, MedGen C4014970, MONDO:0014459, OMIM 616028.

Allele frequency attached by ClinVar (database versions not stated): ExAC 0.00002; gnomAD exomes 0.00002.
gnomAD v4.1: 23 of 1,613,130 alleles (0.0014%); highest among the groups gnomAD compares: Non-Finnish European, 0.0019%; no homozygotes.

Submissions (3):

Labcorp Genetics (formerly Invitae), Labcorp
Classification: Likely benign for Adams-Oliver syndrome 5. Last evaluated: 2025-03-04. Review status: criteria provided, single submitter. Criteria: Invitae Variant Classification Sherloc (09022015). Collection method: clinical testing. Allele origin: germline.

Ambry Genetics
Classification: Uncertain significance for Familial thoracic aortic aneurysm and aortic dissection. Last evaluated: 2024-10-27. Review status: criteria provided, single submitter. Criteria: Ambry Variant Classification Scheme 2023. Collection method: clinical testing. Allele origin: germline.
Comment: The p.S966G variant (also known as c.2896A>G), located in coding exon 18 of the NOTCH1 gene, results from an A to G substitution at nucleotide position 2896. The serine at codon 966 is replaced by glycine, an amino acid with similar properties. This amino acid position is conserved. In addition, the in silico prediction for this alteration is inconclusive. Based on the available evidence, the clinical significance of this variant remains unclear.

Women's Health and Genetics/Laboratory Corporation of America, LabCorp
Classification: Uncertain significance. Last evaluated: 2024-06-30. Review status: criteria provided, single submitter. Criteria: LabCorp Variant Classification Summary - May 2015. Collection method: clinical testing. Allele origin: germline.